The following is an entry in ClinVar:

NM_014467.3(SRPX2):c.737G>A (p.Arg246Gln)

Gene: SRPX2 (sushi repeat containing protein X-linked 2; plus strand). Cytogenetic location: Xq22.1.
Variant type: single nucleotide variant.
Coding change: c.737G>A on transcript NM_014467.3 (MANE Select); coding-DNA position 737, G replaced by A.
Protein change: p.Arg246Gln; replaces arginine 246 with glutamine.
Molecular consequence: missense variant.
Genome position (GRCh38, 1-based): chrX:100,665,613, G>A. VCF-style: chrX-100665613-G-A. GRCh37 (hg19) VCF-style: chrX-99920610-G-A.
Other names: short protein forms R246Q.
Identifiers: ClinVar variation 590220 (VCV000590220.14), dbSNP rs146063801, ClinGen allele CA10469567.
Genomic context (GRCh38, chrX:100,665,613, plus strand): 5'-CTGAGCCTGGCTCTCACTTTCCCGAAGGAGAGCATGTGATTCGTTACACTGCCTATGACC[G>A]AGCCTACAACCGGGCCAGCTGCAAGTTCATTGTGAAAGTACAAGGTCAGAAAGAATTATT-3'
Protein context (NP_055282.1, residues 236-256): EHVIRYTAYD[Arg246Gln]AYNRASCKFI

ClinVar aggregate classification (germline): Conflicting classifications of pathogenicity. Review status: criteria provided, conflicting classifications (1 of 4 stars). 3 submissions from 3 submitters: Uncertain significance (1); Likely benign (2). Last evaluated 2025-08-16.

Conditions:
SRPX2-related disorder. Also called: SRPX2-related condition.
History of neurodevelopmental disorder. Identifiers: MedGen C2711754.
Rolandic epilepsy, impaired intellectual development, and speech dyspraxia, X-linked. Also called: Rolandic epilepsy, intellectual disability, and speech dyspraxia, X-linked; Rolandic epilepsy, impaired intellectual development, and speech dyspraxia. Identifiers: MedGen C1845070, MONDO:0010388, OMIM 300643.

Allele frequency attached by ClinVar (database versions not stated): ExAC 0.00009; gnomAD exomes 0.00011 and 0.00005; gnomAD 0.00026 and 0.00025; ESP Exome Variant Server 0.00038; 1000 Genomes Project 30x 0.00021; TOPMed 0.00027; 1000 Genomes Project 0.00026.

Submissions (3):

PreventionGenetics, part of Exact Sciences
Classification: Likely benign for SRPX2-related condition. Last evaluated: 2025-08-16. Review status: criteria provided, single submitter. Criteria: ACMG Guidelines, 2015. Collection method: clinical testing. Allele origin: germline.
Comment: This variant is classified as likely benign based on ACMG/AMP sequence variant interpretation guidelines (Richards et al. 2015 PMID: 25741868, with internal and published modifications).

Labcorp Genetics (formerly Invitae), Labcorp
Classification: Uncertain significance for Rolandic epilepsy, impaired intellectual development, and speech dyspraxia, X-linked. Last evaluated: 2024-10-22. Review status: criteria provided, single submitter. Criteria: Invitae Variant Classification Sherloc (09022015). Collection method: clinical testing. Allele origin: germline.
Comment: This sequence change replaces arginine, which is basic and polar, with glutamine, which is neutral and polar, at codon 246 of the SRPX2 protein (p.Arg246Gln). This variant is present in population databases (rs146063801, gnomAD 0.06%), and has an allele count higher than expected for a pathogenic variant. This variant has not been reported in the literature in individuals affected with SRPX2-related conditions. ClinVar contains an entry for this variant (Variation ID: 590220). Invitae Evidence Modeling of protein sequence and biophysical properties (such as structural, functional, and spatial information, amino acid conservation, physicochemical variation, residue mobility, and thermodynamic stability) indicates that this missense variant is not expected to disrupt SRPX2 protein function with a negative predictive value of 80%. In summary, the available evidence is currently insufficient to determine the role of this variant in disease. Therefore, it has been classified as a Variant of Uncertain Significance.

Ambry Genetics
Classification: Likely benign for History of neurodevelopmental disorder. Last evaluated: 2013-07-22. Review status: criteria provided, single submitter. Criteria: Ambry Autosomal Dominant and X-Linked criteria (10/2015). Collection method: clinical testing. Allele origin: germline. Observed: 1 variant allele.
Comment: Co-occurence with a mutation in another gene that clearly explains a proband's phenotype;Subpopulation frequency in support of benign classification